The following is an entry in ClinVar:

ClinVar aggregate classification (germline): Likely benign. Review status: criteria provided, multiple submitters, no conflicts (2 of 4 stars). 2 submissions from 2 submitters: Likely benign (2). Last evaluated 2019-09-02.

Allele frequency attached by ClinVar (database versions not stated): gnomAD exomes 0.00163.

Submissions (2):

GeneDx
Classification: Likely benign. Last evaluated: 2019-09-02. Review status: criteria provided, single submitter. Criteria: GeneDx Variant Classification Process June 2021. Collection method: clinical testing. Allele origin: germline. Affected: yes.

Biesecker Lab/Clinical Genomics Section, National Institutes of Health
Classification: Likely benign. Last evaluated: 2013-06-24. Review status: criteria provided, single submitter. Criteria: Ng et al. (Circ Cardiovasc Genet. 2013). Collection method: research. Allele origin: unknown. Observed: 2 variant alleles. Study: ClinSeq.
Comment: The study set was not selected for affection status in relation to any cancer. Pathogenicity categories were based on literature curation. See Pubmed ID:23861362 for details.

Medical sequencing

NM_001267550.2(TTN):c.38185C>T (p.Pro12729Ser)

Gene: TTN (titin; minus strand). Cytogenetic location: 2q31.2.
Variant type: single nucleotide variant.
Coding change: c.38185C>T on transcript NM_001267550.2 (MANE Select); coding-DNA position 38185, C replaced by T.
Protein change: p.Pro12729Ser; replaces proline 12729 with serine.
Molecular consequence: missense variant. On other transcripts: intron variant (4).
Genome position (GRCh38, 1-based): chr2:178,654,766, G>A on the plus strand (C>T on the coding strand, the complement: TTN is on the minus strand). VCF-style: chr2-178654766-G-A. GRCh37 (hg19) VCF-style: chr2-179519493-G-A.
Other names: c.13283-12449C>T (NM_003319.4); c.13859-12449C>T (NM_133437.4); c.13658-12449C>T (NM_133432.3); c.34523-2225C>T (NM_001256850.1); c.31742-2225C>T (NM_133378.4); short protein forms P12729S.
Identifiers: ClinVar variation 192167 (VCV000192167.3), dbSNP rs200495902, ClinGen allele CA238501.